The following is an entry in ClinVar:

NM_004655.4(AXIN2):c.2261C>T (p.Ala754Val)

Gene: AXIN2 (axin 2; minus strand). Cytogenetic location: 17q24.1.
Variant type: single nucleotide variant.
Coding change: c.2261C>T on transcript NM_004655.4 (MANE Select); coding-DNA position 2261, C replaced by T.
Protein change: p.Ala754Val; replaces alanine 754 with valine.
Molecular consequence: missense variant.
Genome position (GRCh38, 1-based): chr17:65,534,056, G>A on the plus strand (C>T on the coding strand, the complement: AXIN2 is on the minus strand). VCF-style: chr17-65534056-G-A. GRCh37 (hg19) VCF-style: chr17-63530174-G-A.
Other names: c.2066C>T, p.Ala689Val (NM_001363813.1); short protein forms A754V, A689V.
Identifiers: ClinVar variation 1788643 (VCV001788643.4), dbSNP rs746773698, ClinGen allele CA8718334.

ClinVar aggregate classification (germline): Uncertain significance. Review status: criteria provided, multiple submitters, no conflicts (2 of 4 stars). 2 submissions from 2 submitters: Uncertain significance (2). Last evaluated 2024-01-03.

Conditions:
Colorectal cancer. Also called: Colorectal cancer, somatic; Malignant Colorectal Neoplasm. Identifiers: MedGen C0346629, MONDO:0005575, OMIM 114500.
Hereditary cancer-predisposing syndrome. Also called: Hereditary Cancer Syndrome; Hereditary neoplastic syndrome; Tumor predisposition; Neoplastic Syndromes, Hereditary. Identifiers: Orphanet 140162, MedGen C0027672, MeSH D009386, MONDO:0015356.

Allele frequency attached by ClinVar (database versions not stated): gnomAD exomes below 0.00001; ExAC 0.00001.
gnomAD v4.1: 5 of 1,614,216 alleles (0.00031%); highest among the groups gnomAD compares: Non-Finnish European, 0.000085%; no homozygotes.

Submissions (2):

Baylor Genetics
Classification: Uncertain significance for Colorectal cancer. Last evaluated: 2024-01-03. Review status: criteria provided, single submitter. Criteria: ACMG Guidelines, 2015. Collection method: clinical testing. Allele origin: unknown.

Ambry Genetics
Classification: Uncertain significance for Hereditary cancer-predisposing syndrome. Last evaluated: 2023-09-01. Review status: criteria provided, single submitter. Criteria: Ambry Variant Classification Scheme 2023. Collection method: clinical testing. Allele origin: germline.
Comment: The p.A754V variant (also known as c.2261C>T), located in coding exon 9 of the AXIN2 gene, results from a C to T substitution at nucleotide position 2261. The alanine at codon 754 is replaced by valine, an amino acid with similar properties. This amino acid position is not well conserved in available vertebrate species. In addition, this alteration is predicted to be tolerated by in silico analysis. Since supporting evidence is limited at this time, the clinical significance of this alteration remains unclear.